The following is an entry in ClinVar:

Conditions:
Breast-ovarian cancer, familial, susceptibility to, 1 (BROVCA1). Also called: BRCA1 Hereditary Breast and Ovarian Cancer; OVARIAN CANCER, SUSCEPTIBILITY TO. Identifiers: Orphanet 145, MedGen C2676676, MONDO:0011450, OMIM 604370. Disease mechanism: loss of function.

Submission:

Brotman Baty Institute, University of Washington
No classification provided (evidence only). Condition: Breast-ovarian cancer, familial 1. Review status: no classification provided. Collection method: in vitro. Allele origin: not applicable. Functional consequence: functionally_normal.
ClinVar note: "not provided" was previously submitted as the classification for the variant. However, the classification appeared to be based only on an observation of functional data so it was converted to no classification on 2025-07-30.

NM_007294.4(BRCA1):c.5019C>A (p.His1673Gln)

Gene: BRCA1 (BRCA1 DNA repair associated; minus strand). Cytogenetic location: 17q21.31.
Variant type: single nucleotide variant.
Coding change: c.5019C>A on transcript NM_007294.4 (MANE Select); coding-DNA position 5019, C replaced by A.
Protein change: p.His1673Gln; replaces histidine 1673 with glutamine.
Molecular consequence: missense variant. On other transcripts: non-coding transcript variant (1).
Genome position (GRCh38, 1-based): chr17:43,067,663, G>T on the plus strand (C>A on the coding strand, the complement: BRCA1 is on the minus strand). VCF-style: chr17-43067663-G-T. GRCh37 (hg19) VCF-style: chr17-41219680-G-T.
Other names: c.4806C>A, p.His1602Gln (NM_001407571.1, NM_001407907.1, NM_001407908.1 and 12 more transcripts); c.5085C>A, p.His1695Gln (NM_001407581.1, NM_001407582.1); c.5082C>A, p.His1694Gln (NM_001407583.1, NM_001407585.1, NM_001407587.1 and 1 more transcripts); c.5079C>A, p.His1693Gln (NM_001407590.1, NM_001407591.1); c.5019C>A, p.His1673Gln (NM_001407593.1, NM_001407594.1, NM_001407596.1 and 8 more transcripts); c.5016C>A, p.His1672Gln (NM_001407614.1, NM_001407615.1, NM_001407616.1 and 17 more transcripts); c.5013C>A, p.His1671Gln (NM_001407633.1, NM_001407634.1, NM_001407635.1 and 14 more transcripts); c.4941C>A, p.His1647Gln (NM_001407655.1, NM_001407653.1, NM_001407654.1); and 70 more; short protein forms H1673Q, H1626Q, H569Q, H1694Q, H1376Q, H1519Q, H1560Q, H1561Q.
Identifiers: ClinVar variation 865540 (VCV000865540.3), dbSNP rs2052178742, ClinGen allele CA10591478.
Genomic context (GRCh38, chr17:43,067,663, plus strand): 5'-TATACCTGTTTTCATAACAACATGAGTAGTCTCTTCAGTAATTAGATTAGTTAAAGTGAT[G>T]TGGTGTTTTCTGGCAAACTTGTACACGAGCATCTGAAATTAAATCAAATATTCCATTATC-3'
Protein context (NP_009225.1, residues 1663-1683): MLVYKFARKH[His1673Gln]ITLTNLITEE